The following is an entry in ClinVar:

NM_014845.6(FIG4):c.1447C>T (p.Arg483Ter)

Gene: FIG4 (FIG4 phosphoinositide 5-phosphatase; plus strand). Cytogenetic location: 6q21.
Variant type: single nucleotide variant.
Coding change: c.1447C>T on transcript NM_014845.6 (MANE Select); coding-DNA position 1447, C replaced by T.
Protein change: p.Arg483Ter; replaces arginine 483 with a stop codon.
Molecular consequence: nonsense.
Genome position (GRCh38, 1-based): chr6:109,765,025, C>T. VCF-style: chr6-109765025-C-T. GRCh37 (hg19) VCF-style: chr6-110086228-C-T.
Other names: short protein forms R483*.
Identifiers: ClinVar variation 809983 (VCV000809983.45), dbSNP rs1228223508, ClinGen allele CA365227481.

ClinVar aggregate classification (germline): Pathogenic/Likely pathogenic. Review status: criteria provided, multiple submitters, no conflicts (2 of 4 stars). 2 submissions from 2 submitters: Pathogenic (1); Likely pathogenic (1). Last evaluated 2025-01-01.

Conditions:
Charcot-Marie-Tooth disease type 4. Also called: Charcot-Marie-Tooth, Type 4; Charcot-Marie-Tooth disease, type IV. Identifiers: Orphanet 64749, MedGen C4082197, MONDO:0018995.

Allele frequency attached by ClinVar (database versions not stated): gnomAD exomes below 0.00001; gnomAD 0.00001; TOPMed 0.00001.
gnomAD v4.1: 4 of 1,613,716 alleles (0.00025%); highest among the groups gnomAD compares: African/African-American, 0.0013%; no homozygotes.

Submissions (2):

CeGaT Center for Human Genetics Tuebingen
Classification: Likely pathogenic. Last evaluated: 2025-01-01. Review status: criteria provided, single submitter. Criteria: CeGaT Center For Human Genetics Tuebingen Variant Classification Criteria Version 2. Collection method: clinical testing. Allele origin: germline. Affected: yes. Observed: 2 variant alleles.
Comment: FIG4: PVS1, PM2:Supporting

Labcorp Genetics (formerly Invitae), Labcorp
Classification: Pathogenic for Charcot-Marie-Tooth disease type 4. Last evaluated: 2023-05-19. Review status: criteria provided, single submitter. Criteria: Invitae Variant Classification Sherloc (09022015). Collection method: clinical testing. Allele origin: germline.
Comment: For these reasons, this variant has been classified as Pathogenic. ClinVar contains an entry for this variant (Variation ID: 809983). This premature translational stop signal has been observed in individual(s) with clinical features of FIG4-related conditions (PMID: 33096303). This variant is present in population databases (no rsID available, gnomAD 0.004%). This sequence change creates a premature translational stop signal (p.Arg483*) in the FIG4 gene. It is expected to result in an absent or disrupted protein product. Loss-of-function variants in FIG4 are known to be pathogenic (PMID: 23623387, 30740813).

Literature cited by the submitters: PubMed 33096303 (cited by Labcorp Genetics (formerly Invitae), Labcorp); PubMed 23623387 (cited by Labcorp Genetics (formerly Invitae), Labcorp); PubMed 30740813 (cited by Labcorp Genetics (formerly Invitae), Labcorp).